The following is an entry in ClinVar:

NM_000038.6(APC):c.7611T>C (p.Ser2537=)

Gene: APC (APC regulator of Wnt signaling pathway; plus strand). Cytogenetic location: 5q22.2.
Variant type: single nucleotide variant.
Coding change: c.7611T>C on transcript NM_000038.6 (MANE Select); coding-DNA position 7611, T replaced by C.
Protein change: p.Ser2537=; no amino-acid change (serine 2537 retained).
Molecular consequence: synonymous variant. On other transcripts: non-coding transcript variant (2).
Genome position (GRCh38, 1-based): chr5:112,843,205, T>C. VCF-style: chr5-112843205-T-C. GRCh37 (hg19) VCF-style: chr5-112178902-T-C.
Other names: c.7611T>C, p.Ser2537= (NM_001127510.3, NM_001354895.2, NM_001407450.1); c.7557T>C, p.Ser2519= (NM_001127511.3); c.7665T>C, p.Ser2555= (NM_001354896.2, NM_001407447.1, NM_001407448.1 and 1 more transcripts); c.7641T>C, p.Ser2547= (NM_001354897.2); c.7536T>C, p.Ser2512= (NM_001354898.2); c.7527T>C, p.Ser2509= (NM_001354899.2); c.7488T>C, p.Ser2496= (NM_001354900.2); c.7434T>C, p.Ser2478= (NM_001354901.2, NM_001407453.1); and 11 more.
Identifiers: ClinVar variation 4084241 (VCV004084241.8).
Genomic context (GRCh38, chr5:112,843,205, plus strand): 5'-TAATGATGGAAGACCAGCAAAGCGCCATGATATTGCACGGTCTCATTCTGAAAGTCCTTC[T>C]AGACTTCCAATCAATAGGTCAGGAACCTGGAAACGTGAGCACAGCAAACATTCATCATCC-3'
Protein context (NP_000029.2, residues 2527-2547): DIARSHSESP[Ser2537=]RLPINRSGTW

ClinVar aggregate classification (germline): Likely benign (1 of 4 stars; one submission).

Submission:

CeGaT Center for Human Genetics Tuebingen
Classification: Likely benign. Last evaluated: 2025-08-01. Review status: criteria provided, single submitter. Criteria: CeGaT Center For Human Genetics Tuebingen Variant Classification Criteria Version 2. Collection method: clinical testing. Allele origin: germline. Affected: yes. Observed: 1 variant allele.
Comment: APC: PM2:Supporting, BP4, BP7